The following is an entry in ClinVar:

ClinVar aggregate classification (germline): Uncertain significance (1 of 4 stars; one submission).

Conditions:
Axenfeld-Rieger syndrome type 3 (RIEG3). Also called: AXENFELD-RIEGER ANOMALY WITH CARDIAC DEFECTS AND/OR SENSORINEURAL HEARING LOSS. Identifiers: Orphanet 782, MedGen C2678503, MONDO:0011233, OMIM 602482.

Allele frequency attached by ClinVar (database versions not stated): gnomAD exomes below 0.00001.
gnomAD v4.1: 1 of 1,469,362 alleles (0.000068%); highest among the groups gnomAD compares: Non-Finnish European, 0.00009%; no homozygotes.

Submission:

Labcorp Genetics (formerly Invitae), Labcorp
Classification: Uncertain significance for Axenfeld-Rieger syndrome type 3. Last evaluated: 2023-05-20. Review status: criteria provided, single submitter. Criteria: Invitae Variant Classification Sherloc (09022015). Collection method: clinical testing. Allele origin: germline.
Comment: In summary, the available evidence is currently insufficient to determine the role of this variant in disease. Therefore, it has been classified as a Variant of Uncertain Significance. This variant has not been reported in the literature in individuals affected with FOXC1-related conditions. This variant is not present in population databases (gnomAD no frequency). This sequence change affects codon 430 of the FOXC1 mRNA. It is a 'silent' change, meaning that it does not change the encoded amino acid sequence of the FOXC1 protein.

NM_001453.3(FOXC1):c.1290C>T (p.Asp430=)

Gene: FOXC1 (forkhead box C1; plus strand). Cytogenetic location: 6p25.3.
Variant type: single nucleotide variant.
Coding change: c.1290C>T on transcript NM_001453.3 (MANE Select); coding-DNA position 1290, C replaced by T.
Protein change: p.Asp430=; no amino-acid change (aspartic acid 430 retained).
Molecular consequence: synonymous variant.
Genome position (GRCh38, 1-based): chr6:1,611,735, C>T. VCF-style: chr6-1611735-C-T. GRCh37 (hg19) VCF-style: chr6-1611970-C-T.
Identifiers: ClinVar variation 2790535 (VCV002790535.3), dbSNP rs2480506519, ClinGen allele CA448394123.